The following is an entry in ClinVar:

NM_018062.4(FANCL):c.649G>C (p.Glu217Gln)

Gene: FANCL (FA complementation group L; minus strand). Cytogenetic location: 2p16.1.
Variant type: single nucleotide variant.
Coding change: c.649G>C on transcript NM_018062.4 (MANE Select); coding-DNA position 649, G replaced by C.
Protein change: p.Glu217Gln; replaces glutamic acid 217 with glutamine.
Molecular consequence: missense variant.
Genome position (GRCh38, 1-based): chr2:58,165,766, C>G on the plus strand (G>C on the coding strand, the complement: FANCL is on the minus strand). VCF-style: chr2-58165766-C-G. GRCh37 (hg19) VCF-style: chr2-58392901-C-G.
Other names: c.664G>C, p.Glu222Gln (NM_001114636.2); c.694G>C, p.Glu232Gln (NM_001374615.1); c.709G>C, p.Glu237Gln (NM_001410792.1); short protein forms E232Q, E217Q, E222Q, E237Q.
Identifiers: ClinVar variation 864195 (VCV000864195.7), dbSNP rs142110072, ClinGen allele CA1670533.

ClinVar aggregate classification (germline): Uncertain significance. Review status: criteria provided, multiple submitters, no conflicts (2 of 4 stars). 2 submissions from 2 submitters: Uncertain significance (2). Last evaluated 2024-05-24.

Conditions:
Fanconi anemia complementation group L (FANCL). Also called: FANCL-Related Fanconi Anemia. Identifiers: Orphanet 84, MedGen C3469528, MONDO:0013566, OMIM 614083.
Fanconi anemia (FA). Also called: Fanconi's anemia. Identifiers: Orphanet 84, MedGen C0015625, MeSH D005199, MONDO:0019391.

Allele frequency attached by ClinVar (database versions not stated): gnomAD exomes 0.00002 and 0.00014; ExAC 0.00003; ESP Exome Variant Server 0.00008; gnomAD 0.00009 and 0.00010; TOPMed 0.00010.
gnomAD v4.1: 219 of 1,613,988 alleles (0.014%); highest among the groups gnomAD compares: Non-Finnish European, 0.018%; 2 homozygotes.

Submissions (2):

Fulgent Genetics
Classification: Uncertain significance for Fanconi anemia complementation group L. Last evaluated: 2024-05-24. Review status: criteria provided, single submitter. Criteria: ACMG Guidelines, 2015. Collection method: clinical testing. Allele origin: germline.

Labcorp Genetics (formerly Invitae), Labcorp
Classification: Uncertain significance for Fanconi anemia. Last evaluated: 2022-09-19. Review status: criteria provided, single submitter. Criteria: Invitae Variant Classification Sherloc (09022015). Collection method: clinical testing. Allele origin: germline.
Comment: This sequence change replaces glutamic acid, which is acidic and polar, with glutamine, which is neutral and polar, at codon 217 of the FANCL protein (p.Glu217Gln). This variant is present in population databases (rs142110072, gnomAD 0.006%). This variant has not been reported in the literature in individuals affected with FANCL-related conditions. ClinVar contains an entry for this variant (Variation ID: 864195). Advanced modeling of protein sequence and biophysical properties (such as structural, functional, and spatial information, amino acid conservation, physicochemical variation, residue mobility, and thermodynamic stability) performed at Invitae indicates that this missense variant is not expected to disrupt FANCL protein function. In summary, the available evidence is currently insufficient to determine the role of this variant in disease. Therefore, it has been classified as a Variant of Uncertain Significance.